The following is an entry in ClinVar:

ClinVar aggregate classification (germline): Likely pathogenic (1 of 4 stars; one submission).

Conditions:
Cardiovascular phenotype. Identifiers: MedGen CN230736.

Submission:

Ambry Genetics
Classification: Likely pathogenic for Cardiovascular phenotype. Last evaluated: 2024-06-21. Review status: criteria provided, single submitter. Criteria: Ambry Variant Classification Scheme 2023. Collection method: clinical testing. Allele origin: germline.
Comment: The c.58179dupT variant, located in coding exon 153 of the TTN gene, results from a duplication of T at nucleotide position 58179, causing a translational frameshift with a predicted alternate stop codon (p.E19394*). This exon is located in the A-band region of the N2-B isoform of the titin protein and is constitutively expressed in TTN transcripts (percent spliced in or PSI 100%). This alteration is expected to result in loss of function by premature protein truncation or nonsense-mediated mRNA decay. While truncating variants in TTN are present in 1-3% of the general population, truncating variants in the A-band are the most common cause of dilated cardiomyopathy (DCM) (Herman DS et al. N. Engl. J. Med., 2012 Feb;366:619-28; Roberts AM et al. Sci Transl Med, 2015 Jan;7:270ra6). TTN truncating variants encoded in constitutive exons (PSI >90%) have been found to be significantly associated with DCM regardless of their position in titin (Schafer S et al. Nat. Genet., 2017 01;49:46-53). This variant is considered to be rare based on population cohorts in the Genome Aggregation Database (gnomAD). Based on the majority of available evidence to date, this variant is likely to be pathogenic.

NM_001267550.2(TTN):c.85374dup (p.Glu28459Ter)

Genes: TTN (titin; minus strand), TTN-AS1 (TTN antisense RNA 1; plus strand). Cytogenetic location: 2q31.2.
Variant type: Duplication.
Coding change: c.85374dup on transcript NM_001267550.2 (MANE Select); coding-DNA position 85374, one base duplicated (T; older notation c.85374dupT).
Protein change: p.Glu28459Ter; replaces glutamic acid 28459 with a stop codon.
Molecular consequence: nonsense.
Genome position (GRCh38, 1-based): chr2:178,560,758, A duplicated on the plus strand (T on the coding strand, the reverse complement: TTN is on the minus strand); the first of 2 consecutive A bases (chr2:178,560,758-178,560,759); duplicating either gives the same sequence. VCF-style (leftmost placement, unchanged base first): chr2-178560757-C-CA. GRCh37 (hg19) VCF-style: chr2-179425484-C-CA.
Other names: c.80451dup, p.Glu26818Ter (NM_001256850.1); c.58179dup, p.Glu19394Ter (NM_003319.4); c.77670dup, p.Glu25891Ter (NM_133378.4); c.58554dup, p.Glu19519Ter (NM_133432.3); c.58755dup, p.Glu19586Ter (NM_133437.4); c.58179dupT (NM_003319.4); short protein forms E25891*, E19519*, E19586*, E26818*, E28459*, E19394*.
Identifiers: ClinVar variation 3330140 (VCV003330140.1).